The following is an entry in ClinVar:

NM_201253.3(CRB1):c.3007A>G (p.Ile1003Val)

Gene: CRB1 (crumbs cell polarity complex component 1; plus strand). Cytogenetic location: 1q31.3.
Variant type: single nucleotide variant.
Coding change: c.3007A>G on transcript NM_201253.3 (MANE Select); coding-DNA position 3007, A replaced by G.
Protein change: p.Ile1003Val; replaces isoleucine 1003 with valine.
Molecular consequence: missense variant. On other transcripts: non-coding transcript variant (2), intron variant (1).
Genome position (GRCh38, 1-based): chr1:197,434,870, A>G. VCF-style: chr1-197434870-A-G. GRCh37 (hg19) VCF-style: chr1-197404000-A-G.
Other names: c.2671A>G, p.Ile891Val (NM_001193640.2); c.2935A>G, p.Ile979Val (NM_001257965.2); c.2129-730A>G (NM_001257966.2); short protein forms I979V, I1003V, I891V.
Identifiers: ClinVar variation 2078880 (VCV002078880.2), dbSNP rs910299744, ClinGen allele CA344044474.

ClinVar aggregate classification (germline): Uncertain significance. Review status: criteria provided, multiple submitters, no conflicts (2 of 4 stars). 2 submissions from 2 submitters: Uncertain significance (2). Last evaluated 2022-03-15.

Conditions:
Leber congenital amaurosis 8 (LCA8). Identifiers: Orphanet 65, MedGen C3151202, MONDO:0013453, OMIM 613835.
Retinitis pigmentosa 12 (RP12). Also called: RP WITH OR WITHOUT PPRPE; RP WITH OR WITHOUT PRESERVED PARAARTERIOLE RETINAL PIGMENT EPITHELIUM; RETINITIS PIGMENTOSA WITH OR WITHOUT PARAARTERIOLAR PRESERVATION OF RETINAL PIGMENT EPITHELIUM. Identifiers: Orphanet 791, MedGen C1838647, MONDO:0010818, OMIM 600105.

Allele frequency attached by ClinVar (database versions not stated): gnomAD 0.00001.
gnomAD v4.1: 1 of 1,613,756 alleles (0.000062%); highest among the groups gnomAD compares: Non-Finnish European, 0.000085%; no homozygotes.

Submissions (2):

Blueprint Genetics
Classification: Uncertain significance. Last evaluated: 2022-03-15. Review status: criteria provided, single submitter. Criteria: ACMG Guidelines, 2015. Collection method: clinical testing. Allele origin: germline.

Labcorp Genetics (formerly Invitae), Labcorp
Classification: Uncertain significance for Leber congenital amaurosis 8; Retinitis pigmentosa 12. Last evaluated: 2022-01-11. Review status: criteria provided, single submitter. Criteria: Invitae Variant Classification Sherloc (09022015). Collection method: clinical testing. Allele origin: germline.
Comment: This sequence change replaces isoleucine, which is neutral and non-polar, with valine, which is neutral and non-polar, at codon 1003 of the CRB1 protein (p.Ile1003Val). This variant is not present in population databases (gnomAD no frequency). This variant has not been reported in the literature in individuals affected with CRB1-related conditions. Advanced modeling of protein sequence and biophysical properties (such as structural, functional, and spatial information, amino acid conservation, physicochemical variation, residue mobility, and thermodynamic stability) performed at Invitae indicates that this missense variant is not expected to disrupt CRB1 protein function. In summary, the available evidence is currently insufficient to determine the role of this variant in disease. Therefore, it has been classified as a Variant of Uncertain Significance.